The following is an entry in ClinVar:

ClinVar aggregate classification (germline): Conflicting classifications of pathogenicity. Review status: criteria provided, conflicting classifications (1 of 4 stars). 3 submissions from 3 submitters: Uncertain significance (2); Likely benign (1). Last evaluated 2026-02-01.

Conditions:
Pyridoxine-dependent epilepsy (EPEO4). Also called: PYRIDOXINE DEPENDENCY WITH SEIZURES; Pyridoxine-Dependent Seizures; Pyridoxine-Dependent Epilepsy - ALDH7A1; EPILEPSY, EARLY-ONSET, 4, VITAMIN B6-DEPENDENT. Identifiers: Orphanet 3006, MedGen C1849508, MONDO:0009945, OMIM 266100. Disease mechanism: loss of function.

Allele frequency attached by ClinVar (database versions not stated): gnomAD exomes below 0.00001.
gnomAD v4.1: 4 of 1,612,186 alleles (0.00025%); highest among the groups gnomAD compares: Non-Finnish European, 0.00034%; no homozygotes.

Submissions (3):

Egypt Genome Project
Classification: Likely benign for Pyridoxine-dependent epilepsy. Last evaluated: 2026-02-01. Review status: criteria provided, single submitter. Criteria: ACMG Guidelines, 2015. Collection method: research. Allele origin: germline. Affected: yes.
Comment: The NM_001182.4 c.1411C>T variant is classified as likely benign based on the ACMG/AMP criteria (BA1, PM1-suporting, PM3-supporting, PP3)

Labcorp Genetics (formerly Invitae), Labcorp
Classification: Uncertain significance for Pyridoxine-dependent epilepsy. Last evaluated: 2025-06-20. Review status: criteria provided, single submitter. Criteria: Invitae Variant Classification Sherloc (09022015). Collection method: clinical testing. Allele origin: germline.
Comment: This sequence change replaces leucine, which is neutral and non-polar, with phenylalanine, which is neutral and non-polar, at codon 471 of the ALDH7A1 protein (p.Leu471Phe). This variant is present in population databases (no rsID available, gnomAD 0.0009%). This variant has not been reported in the literature in individuals affected with ALDH7A1-related conditions. ClinVar contains an entry for this variant (Variation ID: 845764). Invitae Evidence Modeling of protein sequence and biophysical properties (such as structural, functional, and spatial information, amino acid conservation, physicochemical variation, residue mobility, and thermodynamic stability) indicates that this missense variant is expected to disrupt ALDH7A1 protein function with a positive predictive value of 80%. In summary, the available evidence is currently insufficient to determine the role of this variant in disease. Therefore, it has been classified as a Variant of Uncertain Significance.

Blueprint Genetics
Classification: Uncertain significance. Last evaluated: 2024-01-09. Review status: criteria provided, single submitter. Criteria: ACMG Guidelines, 2015. Collection method: clinical testing. Allele origin: germline.

NM_001182.5(ALDH7A1):c.1411C>T (p.Leu471Phe)

Gene: ALDH7A1 (aldehyde dehydrogenase 7 family member A1; minus strand). Cytogenetic location: 5q23.2.
Variant type: single nucleotide variant.
Coding change: c.1411C>T on transcript NM_001182.5 (MANE Select); coding-DNA position 1411, C replaced by T.
Protein change: p.Leu471Phe; replaces leucine 471 with phenylalanine.
Molecular consequence: missense variant.
Genome position (GRCh38, 1-based): chr5:126,550,200, G>A on the plus strand (C>T on the coding strand, the complement: ALDH7A1 is on the minus strand). VCF-style: chr5-126550200-G-A. GRCh37 (hg19) VCF-style: chr5-125885892-G-A.
Other names: c.1327C>T, p.Leu443Phe (NM_001201377.2); c.1219C>T, p.Leu407Phe (NM_001202404.2); short protein forms L443F, L471F, L407F.
Identifiers: ClinVar variation 845764 (VCV000845764.10), dbSNP rs989375168, ClinGen allele CA126885571.